The following is an entry in ClinVar:

NM_001130438.3(SPTAN1):c.6496C>T (p.Arg2166Cys)

Gene: SPTAN1 (spectrin alpha, non-erythrocytic 1; plus strand). Cytogenetic location: 9q34.11.
Variant type: single nucleotide variant.
Coding change: c.6496C>T on transcript NM_001130438.3 (MANE Select); coding-DNA position 6496, C replaced by T.
Protein change: p.Arg2166Cys; replaces arginine 2166 with cysteine.
Molecular consequence: missense variant.
Genome position (GRCh38, 1-based): chr9:128,626,607, C>T. VCF-style: chr9-128626607-C-T. GRCh37 (hg19) VCF-style: chr9-131388886-C-T.
Other names: p.R2166C:CGC>TGC; c.6421C>T, p.Arg2141Cys (NM_001195532.2); c.6496C>T, p.Arg2166Cys (NM_001363759.2); c.6436C>T, p.Arg2146Cys (NM_001363765.2); c.6481C>T, p.Arg2161Cys (NM_003127.4); short protein forms R2166C, R2161C, R2141C, R2146C.
Identifiers: ClinVar variation 207355 (VCV000207355.15), dbSNP rs775190610, ClinGen allele CA318740.

ClinVar aggregate classification (germline): Conflicting classifications of pathogenicity. Review status: criteria provided, conflicting classifications (1 of 4 stars). 4 submissions from 4 submitters: Uncertain significance (2); Likely benign (2). Last evaluated 2025-08-29.

Conditions:
Inborn genetic diseases. Identifiers: MedGen C0950123, MeSH D030342.
Early-infantile DEE. Also called: Ohtahara syndrome; Early infantile epileptic encephalopathy; Early infantile epileptic encephalopathy with suppression bursts. Identifiers: Orphanet 1934, MedGen C0393706, MONDO:0800491.
Developmental and epileptic encephalopathy, 5 (DEE5). Identifiers: Orphanet 3451, MedGen C3150731, MONDO:0013277, OMIM 613477.

Allele frequency attached by ClinVar (database versions not stated): gnomAD exomes 0.00001; ExAC 0.00002; gnomAD 0.00004; TOPMed 0.00006.
gnomAD v4.1: 24 of 1,613,838 alleles (0.0015%); highest among the groups gnomAD compares: East Asian, 0.0045%; no homozygotes.

Submissions (4):

Labcorp Genetics (formerly Invitae), Labcorp
Classification: Uncertain significance for Early-infantile DEE. Last evaluated: 2025-08-29. Review status: criteria provided, single submitter. Criteria: Invitae Variant Classification Sherloc (09022015). Collection method: clinical testing. Allele origin: germline.
Comment: This sequence change replaces arginine, which is basic and polar, with cysteine, which is neutral and slightly polar, at codon 2166 of the SPTAN1 protein (p.Arg2166Cys). This variant is present in population databases (rs775190610, gnomAD 0.005%). This variant has not been reported in the literature in individuals affected with SPTAN1-related conditions. ClinVar contains an entry for this variant (Variation ID: 207355). Invitae Evidence Modeling of protein sequence and biophysical properties (such as structural, functional, and spatial information, amino acid conservation, physicochemical variation, residue mobility, and thermodynamic stability) has been performed for this missense variant. However, the output from this modeling did not meet the statistical confidence thresholds required to predict the impact of this variant on SPTAN1 protein function. In summary, the available evidence is currently insufficient to determine the role of this variant in disease. Therefore, it has been classified as a Variant of Uncertain Significance.

Ambry Genetics
Classification: Likely benign for Inborn genetic diseases. Last evaluated: 2022-06-06. Review status: criteria provided, single submitter. Criteria: Ambry Variant Classification Scheme 2023. Collection method: clinical testing. Allele origin: germline.

Genome-Nilou Lab
Classification: Uncertain significance for Developmental and epileptic encephalopathy, 5. Last evaluated: 2021-07-15. Review status: criteria provided, single submitter. Criteria: ACMG Guidelines, 2015. Collection method: clinical testing. Allele origin: germline. Affected: no.

GeneDx
Classification: Likely benign. Last evaluated: 2020-10-07. Review status: criteria provided, single submitter. Criteria: GeneDx Variant Classification Process June 2021. Collection method: clinical testing. Allele origin: germline. Affected: yes.